The following is an entry in ClinVar:

NM_000489.6(ATRX):c.5786+5A>G

Gene: ATRX (ATRX chromatin remodeler; minus strand). Cytogenetic location: Xq21.1.
Variant type: single nucleotide variant.
Coding change: c.5786+5A>G on transcript NM_000489.6 (MANE Select); 5 bases into the intron after coding-DNA position 5786, A replaced by G.
Molecular consequence: intron variant.
Genome position (GRCh38, 1-based): chrX:77,599,727, T>C on the plus strand (A>G on the coding strand, the complement: ATRX is on the minus strand). VCF-style: chrX-77599727-T-C. GRCh37 (hg19) VCF-style: chrX-76855196-T-C.
Other names: c.5672+5A>G (NM_138270.5).
Identifiers: ClinVar variation 1027258 (VCV001027258.11), dbSNP rs782475014, ClinGen allele CA10457625.

ClinVar aggregate classification (germline): Uncertain significance. Review status: criteria provided, single submitter (1 of 4 stars). 2 submissions from 2 submitters: Uncertain significance (1). 1 of the submissions does not count toward it. Last evaluated 2025-05-25.

Conditions:
Alpha thalassemia-X-linked intellectual disability syndrome (ATRX). Also called: ALPHA-THALASSEMIA/MENTAL RETARDATION SYNDROME, X-LINKED; ATR, NONDELETION TYPE; ATR-X syndrome; Alpha thalassemia mental retardation syndrome, nondeletion type, X-linked; XLMR hypotonic face syndrome; X-linked alpha-thalassemia-mental retardation syndrome. Identifiers: Orphanet 847, MedGen C1845055, MONDO:0010519, OMIM 301040.

Allele frequency attached by ClinVar (database versions not stated): gnomAD exomes below 0.00001 and 0.00001; ExAC 0.00001.
gnomAD v4.1: 2 of 1,206,779 alleles (0.00017%); highest among the groups gnomAD compares: Admixed American, 0.0044%; no homozygotes.

Submissions (2):

Labcorp Genetics (formerly Invitae), Labcorp
Classification: Uncertain significance for Alpha thalassemia-X-linked intellectual disability syndrome. Last evaluated: 2025-05-25. Review status: criteria provided, single submitter. Criteria: Invitae Variant Classification Sherloc (09022015). Collection method: clinical testing. Allele origin: germline.
Comment: This sequence change falls in intron 24 of the ATRX gene. It does not directly change the encoded amino acid sequence of the ATRX protein. It affects a nucleotide within the consensus splice site. This variant is present in population databases (rs782475014, gnomAD 0.008%). This variant has not been reported in the literature in individuals affected with ATRX-related conditions. ClinVar contains an entry for this variant (Variation ID: 1027258). Variants that disrupt the consensus splice site are a relatively common cause of aberrant splicing (PMID: 17576681, 9536098). Algorithms developed to predict the effect of sequence changes on RNA splicing suggest that this variant is not likely to affect RNA splicing. In summary, the available evidence is currently insufficient to determine the role of this variant in disease. Therefore, it has been classified as a Variant of Uncertain Significance.

Natera, Inc.
Classification: Uncertain significance for X-linked alpha-thalassemia-mental retardation syndrome. Last evaluated: 2020-12-14. Review status: no assertion criteria provided. Collection method: clinical testing. Allele origin: germline. Not counted in ClinVar's aggregate classification.

Literature cited by the submitters: PubMed 17576681 (cited by Labcorp Genetics (formerly Invitae), Labcorp); PubMed 9536098 (cited by Labcorp Genetics (formerly Invitae), Labcorp).